The following is an entry in ClinVar:

ClinVar aggregate classification (germline): Uncertain significance. Review status: criteria provided, multiple submitters, no conflicts (2 of 4 stars). 2 submissions from 2 submitters: Uncertain significance (2). Last evaluated 2025-09-26.

Conditions:
Inborn genetic diseases. Identifiers: MedGen C0950123, MeSH D030342.
Epilepsy. Also called: Seizure disorder. Identifiers: MedGen C0014544, MeSH D004827, MONDO:0005027.

Allele frequency attached by ClinVar (database versions not stated): gnomAD 0.00003 and 0.00002; gnomAD exomes 0.00004 and 0.00002; 1000 Genomes Project 30x 0.00031; TOPMed 0.00002; ExAC 0.00004; 1000 Genomes Project 0.00060.
gnomAD v4.1: 36 of 1,610,518 alleles (0.0022%); highest among the groups gnomAD compares: Non-Finnish European, 0.0024%; no homozygotes.

Submissions (2):

Ambry Genetics
Classification: Uncertain significance for Inborn genetic diseases. Last evaluated: 2025-09-26. Review status: criteria provided, single submitter. Criteria: Ambry Variant Classification Scheme 2023. Collection method: clinical testing. Allele origin: germline.

Labcorp Genetics (formerly Invitae), Labcorp
Classification: Uncertain significance for Epilepsy. Last evaluated: 2021-09-02. Review status: criteria provided, single submitter. Criteria: Invitae Variant Classification Sherloc (09022015). Collection method: clinical testing. Allele origin: germline.
Comment: This sequence change replaces arginine with tryptophan at codon 112 of the PIGQ protein (p.Arg112Trp). The arginine residue is weakly conserved and there is a moderate physicochemical difference between arginine and tryptophan. This variant is present in population databases (rs374015287, ExAC 0.01%). This variant has not been reported in the literature in individuals affected with PIGQ-related conditions. Algorithms developed to predict the effect of missense changes on protein structure and function output the following: SIFT: "Deleterious"; PolyPhen-2: "Benign"; Align-GVGD: "Class C0". The tryptophan amino acid residue is found in multiple mammalian species, which suggests that this missense change does not adversely affect protein function. In summary, the available evidence is currently insufficient to determine the role of this variant in disease. Therefore, it has been classified as a Variant of Uncertain Significance.

NM_004204.5(PIGQ):c.334C>T (p.Arg112Trp)

Gene: PIGQ (phosphatidylinositol glycan anchor biosynthesis class Q; plus strand). Cytogenetic location: 16p13.3.
Variant type: single nucleotide variant.
Coding change: c.334C>T on transcript NM_004204.5 (MANE Select); coding-DNA position 334, C replaced by T.
Protein change: p.Arg112Trp; replaces arginine 112 with tryptophan.
Molecular consequence: missense variant.
Genome position (GRCh38, 1-based): chr16:574,408, C>T. VCF-style: chr16-574408-C-T. GRCh37 (hg19) VCF-style: chr16-624408-C-T.
Other names: c.334C>T (NM_148920.1); c.334C>T, p.Arg112Trp (NM_148920.4); short protein forms R112W.
Identifiers: ClinVar variation 978550 (VCV000978550.7), dbSNP rs374015287, ClinGen allele CA7779842.